The following is an entry in ClinVar:

ClinVar aggregate classification (germline): Uncertain significance (1 of 4 stars; one submission).

Submission:

Ambry Genetics
Classification: Uncertain significance. Last evaluated: 2025-02-03. Review status: criteria provided, single submitter. Criteria: Ambry Variant Classification Scheme 2023. Collection method: clinical testing. Allele origin: germline.
Comment: The p.G387A variant (also known as c.1160G>C) is located in coding exon 12 of the SRP72 gene. The glycine at codon 387 is replaced by alanine, an amino acid with similar properties. This change occurs in the first base pair of coding exon 12. This amino acid position is conserved. In addition, the in silico prediction for this alteration is inconclusive. Based on the available evidence, the clinical significance of this variant remains unclear.

NM_006947.4(SRP72):c.1160G>C (p.Gly387Ala)

Gene: SRP72 (signal recognition particle 72; plus strand). Cytogenetic location: 4q12.
Variant type: single nucleotide variant.
Coding change: c.1160G>C on transcript NM_006947.4 (MANE Select); coding-DNA position 1160, G replaced by C.
Protein change: p.Gly387Ala; replaces glycine 387 with alanine.
Molecular consequence: missense variant. On other transcripts: non-coding transcript variant (1).
Genome position (GRCh38, 1-based): chr4:56,487,949, G>C. VCF-style: chr4-56487949-G-C. GRCh37 (hg19) VCF-style: chr4-57354115-G-C.
Other names: c.977G>C, p.Gly326Ala (NM_001267722.2); short protein forms G326A, G387A.
Identifiers: ClinVar variation 3801474 (VCV003801474.1).